The following is an entry in ClinVar:

ClinVar aggregate classification (germline): Conflicting classifications of pathogenicity. Review status: criteria provided, conflicting classifications (1 of 4 stars). 4 submissions from 4 submitters: Uncertain significance (2); Likely benign (2). Last evaluated 2025-12-24.

Conditions:
Inborn genetic diseases. Identifiers: MedGen C0950123, MeSH D030342.
Microcephaly-intellectual disability-sensorineural hearing loss-epilepsy-abnormal muscle tone syndrome (NEDHSB). Also called: NEURODEVELOPMENTAL DISORDER WITH HEARING LOSS, SEIZURES, AND BRAIN ABNORMALITIES. Identifiers: Orphanet 457351, MedGen C4225276, MONDO:0014698, OMIM 616577.

Allele frequency attached by ClinVar (database versions not stated): ExAC 0.00006; gnomAD 0.00007 and 0.00008; gnomAD exomes 0.00007 and 0.00014; TOPMed 0.00010; ESP Exome Variant Server 0.00015.
gnomAD v4.1: 217 of 1,610,126 alleles (0.013%); highest among the groups gnomAD compares: Non-Finnish European, 0.017%; no homozygotes.

Submissions (4):

Labcorp Genetics (formerly Invitae), Labcorp
Classification: Likely benign for Microcephaly-intellectual disability-sensorineural hearing loss-epilepsy-abnormal muscle tone syndrome. Last evaluated: 2025-12-24. Review status: criteria provided, single submitter. Criteria: Invitae Variant Classification Sherloc (09022015). Collection method: clinical testing. Allele origin: germline.

CeGaT Center for Human Genetics Tuebingen
Classification: Uncertain significance. Last evaluated: 2024-10-01. Review status: criteria provided, single submitter. Criteria: CeGaT Center For Human Genetics Tuebingen Variant Classification Criteria Version 2. Collection method: clinical testing. Allele origin: germline. Affected: yes. Observed: 1 variant allele.
Comment: AFG2A: PM2, BP4

Ambry Genetics
Classification: Uncertain significance for Inborn genetic diseases. Last evaluated: 2021-09-02. Review status: criteria provided, single submitter. Criteria: Ambry Variant Classification Scheme 2023. Collection method: clinical testing. Allele origin: germline.
Comment: The c.2080-4G>T intronic alteration consists of a G to T substitution 4 nucleotides before exon 12 of the SPATA5 gene. Based on insufficient or conflicting evidence, the clinical significance of this alteration remains unclear.

GeneDx
Classification: Likely benign. Last evaluated: 2018-12-04. Review status: criteria provided, single submitter. Criteria: GeneDx Variant Classification Process June 2021. Collection method: clinical testing. Allele origin: germline. Affected: yes.

NM_145207.3(AFG2A):c.2080-4G>T

Gene: AFG2A (AAA ATPase AFG2A; plus strand). Cytogenetic location: 4q28.1.
Variant type: single nucleotide variant.
Coding change: c.2080-4G>T on transcript NM_145207.3 (MANE Select); 4 bases into the intron before coding-DNA position 2080, G replaced by T.
Molecular consequence: intron variant.
Genome position (GRCh38, 1-based): chr4:123,056,383, G>T. VCF-style: chr4-123056383-G-T. GRCh37 (hg19) VCF-style: chr4-123977538-G-T.
Other names: c.2077-4G>T (NM_001345856.2).
Identifiers: ClinVar variation 714435 (VCV000714435.26), dbSNP rs372642536, ClinGen allele CA3070632.